The following is an entry in ClinVar:

NM_003891.3(PROZ):c.407G>A (p.Gly136Glu)

Gene: PROZ (protein Z, vitamin K dependent plasma glycoprotein; plus strand). Cytogenetic location: 13q34.
Variant type: single nucleotide variant.
Coding change: c.407G>A on transcript NM_003891.3 (MANE Select); coding-DNA position 407, G replaced by A.
Protein change: p.Gly136Glu; replaces glycine 136 with glutamic acid.
Molecular consequence: missense variant.
Genome position (GRCh38, 1-based): chr13:113,164,546, G>A. VCF-style: chr13-113164546-G-A. GRCh37 (hg19) VCF-style: chr13-113818860-G-A.
Other names: c.473G>A, p.Gly158Glu (NM_001256134.2); short protein forms G158E, G136E.
Identifiers: ClinVar variation 4838899 (VCV004838899.1).

ClinVar aggregate classification (germline): Uncertain significance (1 of 4 stars; one submission).

Submission:

Ambry Genetics
Classification: Uncertain significance. Last evaluated: 2025-12-31. Review status: criteria provided, single submitter. Criteria: Ambry Variant Classification Scheme 2023. Collection method: clinical testing. Allele origin: germline.
Comment: The c.407G>A (p.G136E) alteration is located in exon 5 (coding exon 5) of the PROZ gene. This alteration results from a G to A substitution at nucleotide position 407, causing the glycine (G) at amino acid position 136 to be replaced by a glutamic acid (E). Based on data from gnomAD, the A allele has an overall frequency of <0.001% (1/251340) total alleles studied. The highest observed frequency was 0.001% (1/113650) of European (non-Finnish) alleles. Based on insufficient or conflicting evidence, the clinical significance of this alteration remains unclear.